The following is an entry in ClinVar:

NM_024675.4(PALB2):c.324C>G (p.Asn108Lys)

Gene: PALB2 (partner and localizer of BRCA2; minus strand). Cytogenetic location: 16p12.2.
Variant type: single nucleotide variant.
Coding change: c.324C>G on transcript NM_024675.4 (MANE Select); coding-DNA position 324, C replaced by G.
Protein change: p.Asn108Lys; replaces asparagine 108 with lysine.
Molecular consequence: missense variant.
Genome position (GRCh38, 1-based): chr16:23,636,222, G>C on the plus strand (C>G on the coding strand, the complement: PALB2 is on the minus strand). VCF-style: chr16-23636222-G-C. GRCh37 (hg19) VCF-style: chr16-23647543-G-C.
Other names: c.264C>G, p.Asn88Lys (NM_001407296.1); c.324C>G, p.Asn108Lys (NM_001407297.1, NM_001407298.1, NM_001407299.1 and 3 more transcripts); c.-562C>G (NM_001407304.1, NM_001407305.1, NM_001407306.1 and 5 more transcripts); short protein forms N108K, N88K.
Identifiers: ClinVar variation 2444714 (VCV002444714.1), dbSNP rs1967054646, ClinGen allele CA395138754.

ClinVar aggregate classification (germline): Uncertain significance (1 of 4 stars; one submission).

Submission:

GeneDx
Classification: Uncertain significance. Last evaluated: 2022-09-14. Review status: criteria provided, single submitter. Criteria: GeneDx Variant Classification Process June 2021. Collection method: clinical testing. Allele origin: germline. Affected: yes.
Comment: Not observed at significant frequency in large population cohorts (gnomAD); In silico analysis supports that this missense variant does not alter protein structure/function; Has not been previously published as pathogenic or benign to our knowledge; This variant is associated with the following publications: (PMID: 19369211, 20871615)